The following is an entry in ClinVar:

ClinVar aggregate classification (germline): Uncertain significance (1 of 4 stars; one submission).

Submission:

GeneDx
Classification: Uncertain significance. Last evaluated: 2024-07-18. Review status: criteria provided, single submitter. Criteria: GeneDx Variant Classification Process June 2021. Collection method: clinical testing. Allele origin: germline. Affected: yes.
Comment: Not observed at significant frequency in large population cohorts (gnomAD); In silico analysis supports that this missense variant has a deleterious effect on protein structure/function; Has not been previously published as pathogenic or benign to our knowledge

NM_015030.2(FRYL):c.2423T>G (p.Phe808Cys)

Gene: FRYL (FRY like transcription coactivator; minus strand). Cytogenetic location: 4p11.
Variant type: single nucleotide variant.
Coding change: c.2423T>G on transcript NM_015030.2 (MANE Select); coding-DNA position 2423, T replaced by G.
Protein change: p.Phe808Cys; replaces phenylalanine 808 with cysteine.
Molecular consequence: missense variant.
Genome position (GRCh38, 1-based): chr4:48,579,078, A>C on the plus strand (T>G on the coding strand, the complement: FRYL is on the minus strand). VCF-style: chr4-48579078-A-C. GRCh37 (hg19) VCF-style: chr4-48581095-A-C.
Other names: short protein forms F808C.
Identifiers: ClinVar variation 3573907 (VCV003573907.1).